The following is an entry in ClinVar:

ClinVar aggregate classification (germline): Uncertain significance (1 of 4 stars; one submission).

Conditions:
Cryopyrin associated periodic syndrome (CAPS). Identifiers: Orphanet 208650, MedGen C2316212, MONDO:0016168.

Submission:

Labcorp Genetics (formerly Invitae), Labcorp
Classification: Uncertain significance for Cryopyrin associated periodic syndrome. Last evaluated: 2023-09-06. Review status: criteria provided, single submitter. Criteria: Invitae Variant Classification Sherloc (09022015). Collection method: clinical testing. Allele origin: germline.
Comment: This variant has not been reported in the literature in individuals affected with NLRP3-related conditions. This variant is not present in population databases (gnomAD no frequency). This sequence change replaces leucine, which is neutral and non-polar, with proline, which is neutral and non-polar, at codon 341 of the NLRP3 protein (p.Leu341Pro). Advanced modeling of protein sequence and biophysical properties (such as structural, functional, and spatial information, amino acid conservation, physicochemical variation, residue mobility, and thermodynamic stability) performed at Invitae indicates that this missense variant is expected to disrupt NLRP3 protein function. In summary, the available evidence is currently insufficient to determine the role of this variant in disease. Therefore, it has been classified as a Variant of Uncertain Significance.

NM_001243133.2(NLRP3):c.1016T>C (p.Leu339Pro)

Gene: NLRP3 (NLR family pyrin domain containing 3; plus strand). Cytogenetic location: 1q44.
Variant type: single nucleotide variant.
Coding change: c.1016T>C on transcript NM_001243133.2 (MANE Select); coding-DNA position 1016, T replaced by C.
Protein change: p.Leu339Pro; replaces leucine 339 with proline.
Molecular consequence: missense variant.
Genome position (GRCh38, 1-based): chr1:247,424,465, T>C. VCF-style: chr1-247424465-T-C. GRCh37 (hg19) VCF-style: chr1-247587767-T-C.
Other names: c.1016T>C, p.Leu339Pro (NM_001079821.3, NM_001127461.3, NM_001127462.3 and 1 more transcripts); c.1022T>C, p.Leu341Pro (NM_004895.5); short protein forms L339P, L341P.
Identifiers: ClinVar variation 2758637 (VCV002758637.3), dbSNP rs2527264511, ClinGen allele CA345555917.